The following is an entry in ClinVar:

NM_020843.4(SCAPER):c.4158C>T (p.Ala1386=)

Gene: SCAPER (S-phase cyclin A associated protein in the ER; minus strand). Cytogenetic location: 15q24.3.
Variant type: single nucleotide variant.
Coding change: c.4158C>T on transcript NM_020843.4 (MANE Select); coding-DNA position 4158, C replaced by T.
Protein change: p.Ala1386=; no amino-acid change (alanine 1386 retained).
Molecular consequence: synonymous variant. On other transcripts: non-coding transcript variant (1).
Genome position (GRCh38, 1-based): chr15:76,348,678, G>A on the plus strand (C>T on the coding strand, the complement: SCAPER is on the minus strand). VCF-style: chr15-76348678-G-A. GRCh37 (hg19) VCF-style: chr15-76641019-G-A.
Other names: c.3420C>T, p.Ala1140= (NM_001145923.2); c.4176C>T, p.Ala1392= (NM_001353009.2); c.3756C>T, p.Ala1252= (NM_001353010.2, NM_001353012.2); c.3774C>T, p.Ala1258= (NM_001353011.2).
Identifiers: ClinVar variation 4991289 (VCV004991289.1).

ClinVar aggregate classification (germline): Likely benign (1 of 4 stars; one submission).

Conditions:
SCAPER-related disorder. Also called: SCAPER-related condition.

gnomAD v4.1: 1 of 1,556,558 alleles (0.000064%); highest among the groups gnomAD compares: Non-Finnish European, 0.000087%; no homozygotes.

Submission:

PreventionGenetics, part of Exact Sciences
Classification: Likely benign for SCAPER-related condition. Last evaluated: 2025-11-01. Review status: criteria provided, single submitter. Criteria: ACMG Guidelines, 2015. Collection method: clinical testing. Allele origin: germline.
Comment: This variant is classified as likely benign based on ACMG/AMP sequence variant interpretation guidelines (Richards et al. 2015 PMID: 25741868, with internal and published modifications).